The following is an entry in ClinVar:

ClinVar aggregate classification (germline): Likely pathogenic (1 of 4 stars; one submission).

Conditions:
Fanconi anemia (FA). Also called: Fanconi's anemia. Identifiers: Orphanet 84, MedGen C0015625, MeSH D005199, MONDO:0019391.

Submission:

Laboratory for Molecular Medicine, Mass General Brigham Personalized Medicine
Classification: Likely pathogenic for Fanconi anemia. Last evaluated: 2022-11-03. Review status: criteria provided, single submitter. Criteria: ACMG Guidelines, 2015. Collection method: clinical testing. Allele origin: germline.
Comment: The p.Tyr12IlefsX34 variant in FANCC has not been reported in individuals with Fanconi anemia complementation group C and was absent from large population studies. This variant is predicted to cause a frameshift, which alters the protein’s amino acid sequence beginning at position 12 and leads to a premature termination codon 34 amino acids downstream. This alteration is then predicted to lead to a truncated or absent protein. Loss of function of the FANCC gene is an established disease mechanism in autosomal recessive Fanconi anemia complementation group C. In summary, although additional studies are required to fully establish its clinical significance, this variant meets criteria to be classified as likely pathogenic for autosomal recessive Fanconi anemia complementation group C. ACMG/AMP Criteria applied: PM2_supporting, PVS1.

NM_000136.3(FANCC):c.34del (p.Tyr12fs)

Gene: FANCC (FA complementation group C; minus strand). Cytogenetic location: 9q22.32.
Variant type: Deletion.
Coding change: c.34del on transcript NM_000136.3 (MANE Select); coding-DNA position 34, one base deleted (T; older notation c.34delT).
Protein change: p.Tyr12fs; shifts the reading frame from tyrosine 12.
Molecular consequence: frameshift variant.
Genome position (GRCh38, 1-based): chr9:95,249,258, A deleted on the plus strand (T on the coding strand, the reverse complement: FANCC is on the minus strand); the first of 2 consecutive A bases (chr9:95,249,258-95,249,259); deleting either gives the same sequence. VCF-style (leftmost placement, unchanged base first): chr9-95249257-TA-T. GRCh37 (hg19) VCF-style: chr9-98011539-TA-T.
Other names: c.34del, p.Tyr12fs (NM_001243743.2, NM_001243744.2); short protein forms Y12fs.
Identifiers: ClinVar variation 3075899 (VCV003075899.1), dbSNP rs2542863248, ClinGen allele CA2825001639.